The following is an entry in ClinVar:

ClinVar aggregate classification (germline): Pathogenic. Review status: criteria provided, multiple submitters, no conflicts (2 of 4 stars). 2 submissions from 2 submitters: Pathogenic (2). Last evaluated 2023-09-03.

Conditions:
OCA2-related disorder. Also called: OCA2-related condition.

Allele frequency attached by ClinVar (database versions not stated): ExAC 0.00001; gnomAD 0.00001; TOPMed 0.00002.
gnomAD v4.1: 1 of 1,613,716 alleles (0.000062%); highest among the groups gnomAD compares: African/African-American, 0.0013%; no homozygotes.

Submissions (2):

PreventionGenetics, part of Exact Sciences
Classification: Pathogenic for OCA2-related condition. Last evaluated: 2023-09-03. Review status: criteria provided, single submitter. Criteria: ACMG Guidelines, 2015. Collection method: clinical testing. Allele origin: germline.
Comment: The OCA2 c.172C>T variant is predicted to result in premature protein termination (p.Gln58*). This variant has been reported in a compound heterozygous state along with a pathogenic variant in a patient with oculocutaneous albinism (OCA) (Mauri et al. 2017. PubMed ID: 27734839). This variant has not been reported in a large population database, indicating it is rare. Nonsense variants in OCA2 are expected to be pathogenic, and therefore we interpret c.172C>T (p.Gln58*) as pathogenic.

Labcorp Genetics (formerly Invitae), Labcorp
Classification: Pathogenic. Last evaluated: 2022-04-04. Review status: criteria provided, single submitter. Criteria: Invitae Variant Classification Sherloc (09022015). Collection method: clinical testing. Allele origin: germline.
Comment: For these reasons, this variant has been classified as Pathogenic. This premature translational stop signal has been observed in individual(s) with ocular albinism (PMID: 27734839). This variant is not present in population databases (gnomAD no frequency). This sequence change creates a premature translational stop signal (p.Gln58*) in the OCA2 gene. It is expected to result in an absent or disrupted protein product. Loss-of-function variants in OCA2 are known to be pathogenic (PMID: 19865097, 21541274).

Literature cited by the submitters: PubMed 27734839 (cited by Labcorp Genetics (formerly Invitae), Labcorp); PubMed 19865097 (cited by Labcorp Genetics (formerly Invitae), Labcorp); PubMed 21541274 (cited by Labcorp Genetics (formerly Invitae), Labcorp).

NM_000275.3(OCA2):c.172C>T (p.Gln58Ter)

Gene: OCA2 (OCA2 melanosomal transmembrane protein; minus strand). Cytogenetic location: 15q13.1.
Variant type: single nucleotide variant.
Coding change: c.172C>T on transcript NM_000275.3 (MANE Select); coding-DNA position 172, C replaced by T.
Protein change: p.Gln58Ter; replaces glutamine 58 with a stop codon.
Molecular consequence: nonsense.
Genome position (GRCh38, 1-based): chr15:28,081,703, G>A on the plus strand (C>T on the coding strand, the complement: OCA2 is on the minus strand). VCF-style: chr15-28081703-G-A. GRCh37 (hg19) VCF-style: chr15-28326849-G-A.
Other names: c.172C>T, p.Gln58Ter (NM_001300984.2); c.172C>T (NM_000275.2); short protein forms Q58*.
Identifiers: ClinVar variation 2137639 (VCV002137639.5), dbSNP rs781727577, ClinGen allele CA7439556.